The following is an entry in ClinVar:

ClinVar aggregate classification (germline): Uncertain significance (1 of 4 stars; one submission).

Submission:

GeneDx
Classification: Uncertain significance. Last evaluated: 2024-08-22. Review status: criteria provided, single submitter. Criteria: GeneDx Variant Classification Process June 2021. Collection method: clinical testing. Allele origin: germline. Affected: yes.
Comment: Not observed at significant frequency in large population cohorts (gnomAD); Frameshift variant predicted to result in protein truncation or nonsense mediated decay in a gene or region of a gene for which loss of function is not a well-established mechanism of disease; Has not been previously published as pathogenic or benign to our knowledge

NM_018896.5(CACNA1G):c.87_93dup (p.Pro32fs)

Genes: CACNA1G (calcium voltage-gated channel subunit alpha1 G; plus strand), CACNA1G-AS1 (CACNA1G antisense RNA 1; minus strand). Cytogenetic location: 17q21.33.
Variant type: Microsatellite.
Coding change: c.87_93dup on transcript NM_018896.5 (MANE Select); coding-DNA positions 87 to 93, 7 bases duplicated (GGGCCGG; older notation c.87_93dupGGGCCGG).
Protein change: p.Pro32fs; shifts the reading frame from proline 32.
Molecular consequence: frameshift variant. On other transcripts: non-coding transcript variant (5).
Genome position (GRCh38, 1-based): chr17:50,561,546-50,561,552, GGGCCGG duplicated; duplicating any 7 consecutive bases within chr17:50,561,536-50,561,552 gives the same sequence; the c. name uses the placement nearest the transcript's 3' end. VCF-style (leftmost placement, unchanged base first): chr17-50561535-T-TCGGGGGC. GRCh37 (hg19) VCF-style: chr17-48638896-T-TCGGGGGC.
Other names: c.87_93dup, p.Pro32fs (NM_001256324.2, NM_001256325.2, NM_001256326.2 and 24 more transcripts); short protein forms P32fs.
Identifiers: ClinVar variation 3764217 (VCV003764217.1).
Genomic context (GRCh38, chr17:50,561,535, plus strand): 5'-GATGGAGCGGGCGCCGAGGAGTCGGGACAGCCCCGGAGCTTCATGCGGCTCAACGACCTG[T>TCGGGGGC]CGGGGGCCGGGGGCCGGCCGGGGCCGGGGTCAGCAGAAAAGGACCCGGGCAGCGCGGACT-3'